The following is an entry in ClinVar:

ClinVar aggregate classification (germline): Uncertain significance (1 of 4 stars; one submission).

gnomAD v4.1: 1 of 1,611,872 alleles (0.000062%); no homozygotes.

Submission:

Labcorp Genetics (formerly Invitae), Labcorp
Classification: Uncertain significance. Last evaluated: 2025-01-08. Review status: criteria provided, single submitter. Criteria: Invitae Variant Classification Sherloc (09022015). Collection method: clinical testing. Allele origin: germline.
Comment: This sequence change replaces proline, which is neutral and non-polar, with alanine, which is neutral and non-polar, at codon 152 of the OTULIN protein (p.Pro152Ala). This variant is not present in population databases (gnomAD no frequency). This variant has not been reported in the literature in individuals affected with OTULIN-related conditions. Invitae Evidence Modeling of protein sequence and biophysical properties (such as structural, functional, and spatial information, amino acid conservation, physicochemical variation, residue mobility, and thermodynamic stability) indicates that this missense variant is not expected to disrupt OTULIN protein function with a negative predictive value of 80%. In summary, the available evidence is currently insufficient to determine the role of this variant in disease. Therefore, it has been classified as a Variant of Uncertain Significance.

NM_138348.6(OTULIN):c.454C>G (p.Pro152Ala)

Gene: OTULIN (OTU deubiquitinase with linear linkage specificity; plus strand). Cytogenetic location: 5p15.2.
Variant type: single nucleotide variant.
Coding change: c.454C>G on transcript NM_138348.6 (MANE Select); coding-DNA position 454, C replaced by G.
Protein change: p.Pro152Ala; replaces proline 152 with alanine.
Molecular consequence: missense variant.
Genome position (GRCh38, 1-based): chr5:14,681,593, C>G. VCF-style: chr5-14681593-C-G. GRCh37 (hg19) VCF-style: chr5-14681702-C-G.
Other names: short protein forms P152A.
Identifiers: ClinVar variation 3666882 (VCV003666882.2).